The following is an entry in ClinVar:

NM_005337.5(NCKAP1L):c.2464G>A (p.Gly822Arg)

Gene: NCKAP1L (NCK associated protein 1 like; plus strand). Cytogenetic location: 12q13.2.
Variant type: single nucleotide variant.
Coding change: c.2464G>A on transcript NM_005337.5 (MANE Select); coding-DNA position 2464, G replaced by A.
Protein change: p.Gly822Arg; replaces glycine 822 with arginine.
Molecular consequence: missense variant.
Genome position (GRCh38, 1-based): chr12:54,528,335, G>A. VCF-style: chr12-54528335-G-A. GRCh37 (hg19) VCF-style: chr12-54922119-G-A.
Other names: c.2464G>A (NM_005337.4); c.2314G>A, p.Gly772Arg (NM_001184976.2); short protein forms G772R, G822R.
Identifiers: ClinVar variation 1902686 (VCV001902686.3), dbSNP rs750642189, ClinGen allele CA6609428.

ClinVar aggregate classification (germline): Uncertain significance. Review status: criteria provided, multiple submitters, no conflicts (2 of 4 stars). 2 submissions from 2 submitters: Uncertain significance (2). Last evaluated 2025-08-01.

Allele frequency attached by ClinVar (database versions not stated): ExAC 0.00001.
gnomAD v4.1: 11 of 1,614,048 alleles (0.00068%); highest among the groups gnomAD compares: Non-Finnish European, 0.00093%; no homozygotes.

Submissions (2):

Ambry Genetics
Classification: Uncertain significance. Last evaluated: 2025-08-01. Review status: criteria provided, single submitter. Criteria: Ambry Variant Classification Scheme 2023. Collection method: clinical testing. Allele origin: germline.

Labcorp Genetics (formerly Invitae), Labcorp
Classification: Uncertain significance. Last evaluated: 2022-06-09. Review status: criteria provided, single submitter. Criteria: Invitae Variant Classification Sherloc (09022015). Collection method: clinical testing. Allele origin: germline.
Comment: This sequence change replaces glycine, which is neutral and non-polar, with arginine, which is basic and polar, at codon 822 of the NCKAP1L protein (p.Gly822Arg). This variant is present in population databases (rs750642189, gnomAD 0.002%). This variant has not been reported in the literature in individuals affected with NCKAP1L-related conditions. Algorithms developed to predict the effect of missense changes on protein structure and function are either unavailable or do not agree on the potential impact of this missense change (SIFT: "Deleterious"; PolyPhen-2: "Benign"; Align-GVGD: "Class C0"). In summary, the available evidence is currently insufficient to determine the role of this variant in disease. Therefore, it has been classified as a Variant of Uncertain Significance.